The following is an entry in ClinVar:

ClinVar aggregate classification (germline): Pathogenic (1 of 4 stars; one submission).

Conditions:
Neuronal ceroid lipofuscinosis. Also called: Neuronal Ceroid Lipofuscinoses. Identifiers: Orphanet 216, Orphanet 79263, MedGen C0027877, MONDO:0016295. Disease mechanism: loss of function.

Submission:

Labcorp Genetics (formerly Invitae), Labcorp
Classification: Pathogenic for Neuronal ceroid lipofuscinosis. Last evaluated: 2022-10-12. Review status: criteria provided, single submitter. Criteria: Invitae Variant Classification Sherloc (09022015). Collection method: clinical testing. Allele origin: germline.
Comment: For these reasons, this variant has been classified as Pathogenic. This variant disrupts a region of the CLN5 protein in which other variant(s) (p.Tyr392*) have been determined to be pathogenic (PMID: 9662406; Invitae). This suggests that this is a clinically significant region of the protein, and that variants that disrupt it are likely to be disease-causing. This variant has not been reported in the literature in individuals affected with CLN5-related conditions. This variant is not present in population databases (gnomAD no frequency). This sequence change creates a premature translational stop signal (p.Tyr278*) in the CLN5 gene. While this is not anticipated to result in nonsense mediated decay, it is expected to disrupt the last 130 amino acid(s) of the CLN5 protein.

Literature cited by the submitters: PubMed 9662406.

NM_006493.4(CLN5):c.687C>G (p.Tyr229Ter)

Gene: CLN5 (CLN5 lysosomal BMP synthase; plus strand). Cytogenetic location: 13q22.3.
Variant type: single nucleotide variant.
Coding change: c.687C>G on transcript NM_006493.4 (MANE Select); coding-DNA position 687, C replaced by G.
Protein change: p.Tyr229Ter; replaces tyrosine 229 with a stop codon.
Molecular consequence: nonsense. On other transcripts: 3 prime UTR variant (1).
Genome position (GRCh38, 1-based): chr13:77,000,579, C>G. VCF-style: chr13-77000579-C-G. GRCh37 (hg19) VCF-style: chr13-77574714-C-G.
Other names: c.*136C>G (NM_001366624.2); short protein forms Y278*, Y229*.
Identifiers: ClinVar variation 2035261 (VCV002035261.4), dbSNP rs778480440, ClinGen allele CA388312078.
Genomic context (GRCh38, chr13:77,000,579, plus strand): 5'-TGAGACATGGAATGTAAAAGCCAGCCCAGAAAAGGGGGCAGAGACATGGTTTGATTCCTA[C>G]GACTGTTCCAAATTTGTGTTAAGGACCTTTAACAAGTTGGCTGAATTTGGAGCAGAGTTC-3'